The following is an entry in ClinVar:

ClinVar aggregate classification (germline): Conflicting classifications of pathogenicity. Review status: criteria provided, conflicting classifications (1 of 4 stars). 4 submissions from 4 submitters: Uncertain significance (3); Likely benign (1). Last evaluated 2025-12-29.

Conditions:
Fanconi anemia complementation group C (FANCC). Also called: FANCONI PANCYTOPENIA, TYPE 3; FACC; FANCC-Related Fanconi Anemia; Fanconi anemia, group C. Identifiers: Orphanet 84, MedGen C3468041, MONDO:0009213, OMIM 227645.
Hereditary cancer-predisposing syndrome. Also called: Hereditary Cancer Syndrome; Hereditary neoplastic syndrome; Neoplastic Syndromes, Hereditary; Tumor predisposition. Identifiers: Orphanet 140162, MedGen C0027672, MeSH D009386, MONDO:0015356.
Fanconi anemia (FA). Also called: Fanconi's anemia. Identifiers: Orphanet 84, MedGen C0015625, MeSH D005199, MONDO:0019391.

Allele frequency attached by ClinVar (database versions not stated): gnomAD exomes below 0.00001; TOPMed below 0.00001; gnomAD 0.00001.
gnomAD v4.1: 8 of 1,611,846 alleles (0.0005%); highest among the groups gnomAD compares: Non-Finnish European, 0.00059%; no homozygotes.

Submissions (4):

Labcorp Genetics (formerly Invitae), Labcorp
Classification: Uncertain significance for Fanconi anemia. Last evaluated: 2025-12-29. Review status: criteria provided, single submitter. Criteria: Invitae Variant Classification Sherloc (09022015). Collection method: clinical testing. Allele origin: germline.
Comment: This sequence change falls in intron 9 of the FANCC gene. It does not directly change the encoded amino acid sequence of the FANCC protein. It affects a nucleotide within the consensus splice site. This variant is not present in population databases (gnomAD no frequency). This variant has not been reported in the literature in individuals affected with FANCC-related conditions. ClinVar contains an entry for this variant (Variation ID: 383706). Variants that disrupt the consensus splice site are a relatively common cause of aberrant splicing (PMID: 17576681, 9536098). Algorithms developed to predict the effect of sequence changes on RNA splicing suggest that this variant is not likely to affect RNA splicing. In summary, the available evidence is currently insufficient to determine the role of this variant in disease. Therefore, it has been classified as a Variant of Uncertain Significance.

Fulgent Genetics
Classification: Uncertain significance for Fanconi anemia complementation group C. Last evaluated: 2024-01-27. Review status: criteria provided, single submitter. Criteria: ACMG Guidelines, 2015. Collection method: clinical testing. Allele origin: germline.

Ambry Genetics
Classification: Uncertain significance for Hereditary cancer-predisposing syndrome. Last evaluated: 2022-09-29. Review status: criteria provided, single submitter. Criteria: Ambry Variant Classification Scheme 2023. Collection method: clinical testing. Allele origin: germline.
Comment: The c.897-3C>T intronic variant results from a C to T substitution 3 nucleotides upstream from coding exon 9 in the FANCC gene. This nucleotide position is well conserved in available vertebrate species. In silico splice site analysis predicts that this alteration will not have any significant effect on splicing. Since supporting evidence is limited at this time, the clinical significance of this alteration remains unclear.

GeneDx
Classification: Likely benign. Last evaluated: 2020-11-06. Review status: criteria provided, single submitter. Criteria: GeneDx Variant Classification Process June 2021. Collection method: clinical testing. Allele origin: germline. Affected: yes.

Literature cited by the submitters: PubMed 17576681 (cited by Labcorp Genetics (formerly Invitae), Labcorp); PubMed 9536098 (cited by Labcorp Genetics (formerly Invitae), Labcorp).

NM_000136.3(FANCC):c.897-3C>T

Genes: FANCC (FA complementation group C; minus strand), AOPEP (aminopeptidase O (putative); plus strand). Cytogenetic location: 9q22.32.
Variant type: single nucleotide variant.
Coding change: c.897-3C>T on transcript NM_000136.3 (MANE Select); 3 bases into the intron before coding-DNA position 897, C replaced by T.
Molecular consequence: intron variant.
Genome position (GRCh38, 1-based): chr9:95,125,188, G>A on the plus strand (C>T on the coding strand, the complement: FANCC is on the minus strand). VCF-style: chr9-95125188-G-A. GRCh37 (hg19) VCF-style: chr9-97887470-G-A.
Other names: c.897-3C>T (NM_001243744.2, NM_001243743.2).
Identifiers: ClinVar variation 383706 (VCV000383706.14), dbSNP rs1057521714, ClinGen allele CA16605745.
Genomic context (GRCh38, chr9:95,125,188, plus strand): 5'-AAACACCTGAATAGTGGCTATGATTTCCAGGGCCCCATCGGTTTCCAGGAGTGCACACCT[G>A]AACAATGCAAAGTCAGATCAGAACACGTTTAACAAGTAATCCGGCAAACATGAAAACCTG-3'